The following is an entry in ClinVar:

NM_001849.4(COL6A2):c.626A>T (p.His209Leu)

Gene: COL6A2 (collagen type VI alpha 2 chain; plus strand). Cytogenetic location: 21q22.3.
Variant type: single nucleotide variant.
Coding change: c.626A>T on transcript NM_001849.4 (MANE Select); coding-DNA position 626, A replaced by T.
Protein change: p.His209Leu; replaces histidine 209 with leucine.
Molecular consequence: missense variant.
Genome position (GRCh38, 1-based): chr21:46,112,489, A>T. VCF-style: chr21-46112489-A-T. GRCh37 (hg19) VCF-style: chr21-47532403-A-T.
Other names: c.626A>T, p.His209Leu (NM_058174.3, NM_058175.3); short protein forms H209L.
Identifiers: ClinVar variation 1398648 (VCV001398648.8), dbSNP rs1413478268, ClinGen allele CA410522116.

ClinVar aggregate classification (germline): Uncertain significance (1 of 4 stars; one submission).

Conditions:
Bethlem myopathy 1A. Also called: Bethlem myopathy 1; Bethlem Muscular Dystrophy; MYOPATHY, BENIGN CONGENITAL, WITH CONTRACTURES. Identifiers: Orphanet 610, MedGen CN029274, MONDO:0024530, OMIM 158810.

Allele frequency attached by ClinVar (database versions not stated): gnomAD exomes below 0.00001; TOPMed below 0.00001.

Submission:

Labcorp Genetics (formerly Invitae), Labcorp
Classification: Uncertain significance for Bethlem myopathy 1A. Last evaluated: 2022-07-26. Review status: criteria provided, single submitter. Criteria: Invitae Variant Classification Sherloc (09022015). Collection method: clinical testing. Allele origin: germline.
Comment: This sequence change replaces histidine, which is basic and polar, with leucine, which is neutral and non-polar, at codon 209 of the COL6A2 protein (p.His209Leu). This variant is not present in population databases (gnomAD no frequency). This variant has not been reported in the literature in individuals affected with COL6A2-related conditions. ClinVar contains an entry for this variant (Variation ID: 1398648). Advanced modeling of protein sequence and biophysical properties (such as structural, functional, and spatial information, amino acid conservation, physicochemical variation, residue mobility, and thermodynamic stability) performed at Invitae indicates that this missense variant is not expected to disrupt COL6A2 protein function. In summary, the available evidence is currently insufficient to determine the role of this variant in disease. Therefore, it has been classified as a Variant of Uncertain Significance.